The following is an entry in ClinVar:

NM_000821.7(GGCX):c.57A>T (p.Lys19Asn)

Gene: GGCX (gamma-glutamyl carboxylase; minus strand). Cytogenetic location: 2p11.2.
Variant type: single nucleotide variant.
Coding change: c.57A>T on transcript NM_000821.7 (MANE Select); coding-DNA position 57, A replaced by T.
Protein change: p.Lys19Asn; replaces lysine 19 with asparagine.
Molecular consequence: missense variant. On other transcripts: intron variant (1).
Genome position (GRCh38, 1-based): chr2:85,560,972, T>A on the plus strand (A>T on the coding strand, the complement: GGCX is on the minus strand). VCF-style: chr2-85560972-T-A. GRCh37 (hg19) VCF-style: chr2-85788095-T-A.
Other names: c.57A>T, p.Lys19Asn (NM_001311312.3); c.43+414A>T (NM_001142269.4); short protein forms K19N.
Identifiers: ClinVar variation 896545 (VCV000896545.6), dbSNP rs367575308, ClinGen allele CA1742227.

ClinVar aggregate classification (germline): Uncertain significance. Review status: criteria provided, multiple submitters, no conflicts (2 of 4 stars). 2 submissions from 2 submitters: Uncertain significance (2). Last evaluated 2025-10-16.

Conditions:
Vitamin K-dependent clotting factors, combined deficiency of, type 1. Also called: FACTORS II, VII, IX, AND X, COMBINED DEFICIENCY OF; FAMILIAL MULTIPLE COAGULATION FACTOR DEFICIENCY III; FMFD III; GLUTAMIC ACID, DEFICIENT GAMMA-CARBOXYLATION OF; MULTIPLE COAGULATION FACTOR DEFICIENCY III; VITAMIN K-DEPENDENT COAGULATION DEFECT. Identifiers: Orphanet 98434, MedGen C1848534, MONDO:0010187, OMIM 277450.

Allele frequency attached by ClinVar (database versions not stated): gnomAD 0.00002; TOPMed 0.00003; gnomAD exomes 0.00004; ExAC 0.00006; ESP Exome Variant Server 0.00008.

Submissions (2):

Labcorp Genetics (formerly Invitae), Labcorp
Classification: Uncertain significance. Last evaluated: 2025-10-16. Review status: criteria provided, single submitter. Criteria: Invitae Variant Classification Sherloc (09022015). Collection method: clinical testing. Allele origin: germline.
Comment: This sequence change replaces lysine, which is basic and polar, with asparagine, which is neutral and polar, at codon 19 of the GGCX protein (p.Lys19Asn). This variant is present in population databases (rs367575308, gnomAD 0.008%). This variant has not been reported in the literature in individuals affected with GGCX-related conditions. ClinVar contains an entry for this variant (Variation ID: 896545). An algorithm developed to predict the effect of missense changes on protein structure and function (PolyPhen-2) suggests that this variant is likely to be tolerated. In summary, the available evidence is currently insufficient to determine the role of this variant in disease. Therefore, it has been classified as a Variant of Uncertain Significance.

Illumina Laboratory Services, Illumina
Classification: Uncertain significance for Vitamin K-dependent clotting factors, combined deficiency of, type 1. Last evaluated: 2018-01-13. Review status: criteria provided, single submitter. Criteria: ICSL Variant Classification Criteria 13 December 2019. Collection method: clinical testing. Allele origin: germline.